The following is an entry in ClinVar:

NM_001370658.1(BTD):c.1372G>C (p.Ala458Pro)

Gene: BTD (biotinidase; plus strand). Cytogenetic location: 3p25.1.
Variant type: single nucleotide variant.
Coding change: c.1372G>C on transcript NM_001370658.1 (MANE Select); coding-DNA position 1372, G replaced by C.
Protein change: p.Ala458Pro; replaces alanine 458 with proline.
Molecular consequence: missense variant. On other transcripts: intron variant (2).
Genome position (GRCh38, 1-based): chr3:15,645,288, G>C. VCF-style: chr3-15645288-G-C. GRCh37 (hg19) VCF-style: chr3-15686795-G-C.
Other names: c.1372G>C, p.Ala458Pro (NM_001323582.2, NM_001407364.1, NM_001407365.1 and 16 more transcripts); c.1015+357G>C (NM_001370752.1); c.399+3231G>C (NM_001370753.1); c.1432G>C, p.Ala478Pro (NM_000060.4); short protein forms A458P.
Identifiers: ClinVar variation 25089 (VCV000025089.17), dbSNP rs181396238, ClinGen allele CA278340.

ClinVar aggregate classification (germline): Pathogenic/Likely pathogenic. Review status: criteria provided, multiple submitters, no conflicts (2 of 4 stars). 4 submissions from 4 submitters: Pathogenic (3); Likely pathogenic (1). Last evaluated 2025-12-08.

Conditions:
Biotinidase deficiency. Also called: BTD deficiency; Late-onset biotin-responsive multiple carboxylase deficiency; Biotin deficiency. Identifiers: Orphanet 79241, MedGen C0220754, MONDO:0009665, OMIM 253260.

gnomAD v4.1: 9 of 1,614,194 alleles (0.00056%); highest among the groups gnomAD compares: South Asian, 0.0088%; no homozygotes.

Submissions (4):

GeneDx
Classification: Pathogenic. Last evaluated: 2025-12-08. Review status: criteria provided, single submitter. Criteria: GeneDx Variant Classification Process June 2021. Collection method: clinical testing. Allele origin: germline. Affected: yes.
Comment: Not observed at significant frequency in large population cohorts (gnomAD); In silico analysis supports that this missense variant has a deleterious effect on protein structure/function; Also known as p.(A478P); This variant is associated with the following publications: (PMID: 19757147, 38299772, 20556795, 36684547, 41007772, 40700042)

Women's Health and Genetics/Laboratory Corporation of America, LabCorp
Classification: Pathogenic for Biotinidase deficiency. Last evaluated: 2024-07-03. Review status: criteria provided, single submitter. Criteria: LabCorp Variant Classification Summary - May 2015. Collection method: clinical testing. Allele origin: germline.
Comment: Variant summary: BTD c.1372G>C (p.Ala458Pro) results in a non-conservative amino acid change in the encoded protein sequence. Five of five in-silico tools predict a damaging effect of the variant on protein function. The variant allele was found at a frequency of 1.6e-05 in 251444 control chromosomes. c.1372G>C has been reported in the literature as biallelic homozygous or compound heterozygous genotypes in individuals affected with Biotinidase Deficiency (example, Sarafoglou_2009, Sharma_2024). These data indicate that the variant is likely to be associated with disease. At least one publication reports experimental evidence evaluating an impact on protein function. The most pronounced variant effect results in <10% of normal activity in an individual with a homozygous genotype (Sarafoglou_2009). The following publications have been ascertained in the context of this evaluation (PMID: 36684547, 20556795, 19757147, 38299772). ClinVar contains an entry for this variant (Variation ID: 25089). Based on the evidence outlined above, the variant was classified as pathogenic.

Baylor Genetics
Classification: Likely pathogenic for Biotinidase deficiency. Last evaluated: 2024-02-07. Review status: criteria provided, single submitter. Criteria: ACMG Guidelines, 2015. Collection method: clinical testing. Allele origin: unknown.

Labcorp Genetics (formerly Invitae), Labcorp
Classification: Pathogenic for Biotinidase deficiency. Last evaluated: 2024-02-02. Review status: criteria provided, single submitter. Criteria: Invitae Variant Classification Sherloc (09022015). Collection method: clinical testing. Allele origin: germline.
Comment: This sequence change replaces alanine, which is neutral and non-polar, with proline, which is neutral and non-polar, at codon 478 of the BTD protein (p.Ala478Pro). This variant is present in population databases (rs181396238, gnomAD 0.01%). This missense change has been observed in individual(s) with biotinidase deficiency (PMID: 19757147). ClinVar contains an entry for this variant (Variation ID: 25089). Advanced modeling of protein sequence and biophysical properties (such as structural, functional, and spatial information, amino acid conservation, physicochemical variation, residue mobility, and thermodynamic stability) performed at Invitae indicates that this missense variant is expected to disrupt BTD protein function with a positive predictive value of 95%. This variant disrupts the p.Ala478 amino acid residue in BTD. Other variant(s) that disrupt this residue have been observed in individuals with BTD-related conditions (PMID: 26810761), which suggests that this may be a clinically significant amino acid residue. For these reasons, this variant has been classified as Pathogenic.

Literature cited by the submitters: PubMed 19757147 (cited by Women's Health and Genetics/Laboratory Corporation of America, LabCorp and Labcorp Genetics (formerly Invitae), Labcorp); PubMed 20556795 (cited by Women's Health and Genetics/Laboratory Corporation of America, LabCorp); PubMed 36684547 (cited by Women's Health and Genetics/Laboratory Corporation of America, LabCorp); PubMed 38299772 (cited by Women's Health and Genetics/Laboratory Corporation of America, LabCorp); PubMed 26810761 (cited by Labcorp Genetics (formerly Invitae), Labcorp).